The following is an entry in ClinVar:

ClinVar aggregate classification (germline): Uncertain significance. Review status: criteria provided, multiple submitters, no conflicts (2 of 4 stars). 2 submissions from 2 submitters: Uncertain significance (2). Last evaluated 2026-03-15.

Allele frequency attached by ClinVar (database versions not stated): gnomAD exomes 0.00002; ExAC 0.00003; 1000 Genomes Project 0.00020; gnomAD 0.00024; TOPMed 0.00027; 1000 Genomes Project 30x 0.00031.
gnomAD v4.1: 72 of 1,612,528 alleles (0.0045%); highest among the groups gnomAD compares: African/African-American, 0.087%; no homozygotes.

Submissions (2):

GeneDx
Classification: Uncertain significance. Last evaluated: 2026-03-15. Review status: criteria provided, single submitter. Criteria: GeneDx Variant Classification Process June 2021. Collection method: clinical testing. Allele origin: germline.
Comment: In silico analysis suggests that this missense variant does not alter protein structure/function; Has not been previously published as pathogenic or benign to our knowledge

Labcorp Genetics (formerly Invitae), Labcorp
Classification: Uncertain significance. Last evaluated: 2024-05-15. Review status: criteria provided, single submitter. Criteria: Invitae Variant Classification Sherloc (09022015). Collection method: clinical testing. Allele origin: germline.
Comment: This sequence change replaces isoleucine, which is neutral and non-polar, with methionine, which is neutral and non-polar, at codon 188 of the GFM2 protein (p.Ile188Met). This variant is present in population databases (rs576970255, gnomAD 0.06%). This variant has not been reported in the literature in individuals affected with GFM2-related conditions. ClinVar contains an entry for this variant (Variation ID: 2417832). Advanced modeling of protein sequence and biophysical properties (such as structural, functional, and spatial information, amino acid conservation, physicochemical variation, residue mobility, and thermodynamic stability) performed at Invitae indicates that this missense variant is not expected to disrupt GFM2 protein function with a negative predictive value of 80%. In summary, the available evidence is currently insufficient to determine the role of this variant in disease. Therefore, it has been classified as a Variant of Uncertain Significance.

NM_032380.5(GFM2):c.564A>G (p.Ile188Met)

Gene: GFM2 (GTP dependent ribosome recycling factor mitochondrial 2; minus strand). Cytogenetic location: 5q13.3.
Variant type: single nucleotide variant.
Coding change: c.564A>G on transcript NM_032380.5 (MANE Select); coding-DNA position 564, A replaced by G.
Protein change: p.Ile188Met; replaces isoleucine 188 with methionine.
Molecular consequence: missense variant. On other transcripts: non-coding transcript variant (1).
Genome position (GRCh38, 1-based): chr5:74,747,736, T>C on the plus strand (A>G on the coding strand, the complement: GFM2 is on the minus strand). VCF-style: chr5-74747736-T-C. GRCh37 (hg19) VCF-style: chr5-74043561-T-C.
Other names: c.660A>G, p.Ile220Met (NM_001281302.2); c.564A>G, p.Ile188Met (NM_170681.3, NM_170691.3); c.564A>G (NM_032380.3); short protein forms I188M, I220M.
Identifiers: ClinVar variation 2417832 (VCV002417832.8), dbSNP rs576970255, ClinGen allele CA3306757.